The following is an entry in ClinVar:

ClinVar aggregate classification (germline): Uncertain significance (1 of 4 stars; one submission).

Allele frequency attached by ClinVar (database versions not stated): gnomAD 0.00001; gnomAD exomes 0.00001; TOPMed 0.00001.
gnomAD v4.1: 10 of 1,613,740 alleles (0.00062%); highest among the groups gnomAD compares: Non-Finnish European, 0.00085%; no homozygotes.

Submission:

Labcorp Genetics (formerly Invitae), Labcorp
Classification: Uncertain significance. Last evaluated: 2022-08-13. Review status: criteria provided, single submitter. Criteria: Invitae Variant Classification Sherloc (09022015). Collection method: clinical testing. Allele origin: germline.
Comment: This sequence change falls in intron 40 of the CDH23 gene. It does not directly change the encoded amino acid sequence of the CDH23 protein. It affects a nucleotide within the consensus splice site. This variant is not present in population databases (gnomAD no frequency). This variant has not been reported in the literature in individuals affected with CDH23-related conditions. Variants that disrupt the consensus splice site are a relatively common cause of aberrant splicing (PMID: 17576681, 9536098). Algorithms developed to predict the effect of sequence changes on RNA splicing suggest that this variant is not likely to affect RNA splicing. In summary, the available evidence is currently insufficient to determine the role of this variant in disease. Therefore, it has been classified as a Variant of Uncertain Significance.

Literature cited by the submitters: PubMed 17576681; PubMed 9536098.

NM_022124.6(CDH23):c.5187+3G>A

Gene: CDH23 (cadherin related 23; plus strand). Cytogenetic location: 10q22.1.
Variant type: single nucleotide variant.
Coding change: c.5187+3G>A on transcript NM_022124.6 (MANE Select); 3 bases into the intron after coding-DNA position 5187, G replaced by A.
Molecular consequence: intron variant.
Genome position (GRCh38, 1-based): chr10:71,778,311, G>A. VCF-style: chr10-71778311-G-A. GRCh37 (hg19) VCF-style: chr10-73538068-G-A.
Identifiers: ClinVar variation 1990626 (VCV001990626.1), dbSNP rs911905648, ClinGen allele CA209452368.
Genomic context (GRCh38, chr10:71,778,311, plus strand): 5'-CGTCACTGCCACAGACCAGTGCCCCATCTTATCCCACCGCCTCACCTCTACCACCACGGT[G>A]GGTGCATGGGACACAGCCCCAACTTGGGCTTGGAGGTTGGCGAAGGATGGGACCCAGAAA-3'